The following is an entry in ClinVar:

ClinVar aggregate classification (germline): Uncertain significance (1 of 4 stars; one submission).

Allele frequency attached by ClinVar (database versions not stated): gnomAD 0.00001; TOPMed 0.00001.
gnomAD v4.1: 8 of 1,613,976 alleles (0.0005%); highest among the groups gnomAD compares: South Asian, 0.0022%; no homozygotes.

Submission:

Labcorp Genetics (formerly Invitae), Labcorp
Classification: Uncertain significance. Last evaluated: 2024-02-17. Review status: criteria provided, single submitter. Criteria: Invitae Variant Classification Sherloc (09022015). Collection method: clinical testing. Allele origin: germline.
Comment: This sequence change replaces arginine, which is basic and polar, with glutamine, which is neutral and polar, at codon 177 of the TOPORS protein (p.Arg177Gln). This variant is present in population databases (rs748479572, gnomAD 0.006%). This variant has not been reported in the literature in individuals affected with TOPORS-related conditions. ClinVar contains an entry for this variant (Variation ID: 1002249). An algorithm developed to predict the effect of missense changes on protein structure and function (PolyPhen-2) suggests that this variant is likely to be disruptive. In summary, the available evidence is currently insufficient to determine the role of this variant in disease. Therefore, it has been classified as a Variant of Uncertain Significance.

NM_005802.5(TOPORS):c.530G>A (p.Arg177Gln)

Gene: TOPORS (TOP1 binding arginine/serine rich protein, E3 ubiquitin ligase; minus strand). Cytogenetic location: 9p21.1.
Variant type: single nucleotide variant.
Coding change: c.530G>A on transcript NM_005802.5 (MANE Select); coding-DNA position 530, G replaced by A.
Protein change: p.Arg177Gln; replaces arginine 177 with glutamine.
Molecular consequence: missense variant.
Genome position (GRCh38, 1-based): chr9:32,543,995, C>T on the plus strand (G>A on the coding strand, the complement: TOPORS is on the minus strand). VCF-style: chr9-32543995-C-T. GRCh37 (hg19) VCF-style: chr9-32543993-C-T.
Other names: c.335G>A, p.Arg112Gln (NM_001195622.2); short protein forms R112Q, R177Q.
Identifiers: ClinVar variation 1002249 (VCV001002249.10), dbSNP rs748479572, ClinGen allele CA5020635.